The following is an entry in ClinVar:

ClinVar aggregate classification (germline): Uncertain significance (1 of 4 stars; one submission).

Conditions:
Inborn genetic diseases. Identifiers: MedGen C0950123, MeSH D030342.

Submission:

Ambry Genetics
Classification: Uncertain significance for Inborn genetic diseases. Last evaluated: 2025-02-22. Review status: criteria provided, single submitter. Criteria: Ambry Variant Classification Scheme 2023. Collection method: clinical testing. Allele origin: germline.
Comment: The p.S300G variant (also known as c.898A>G), located in coding exon 7 of the BMPR2 gene, results from an A to G substitution at nucleotide position 898. The serine at codon 300 is replaced by glycine, an amino acid with similar properties. This amino acid position is conserved. In addition, this alteration is predicted to be tolerated by in silico analysis. Based on the available evidence, the clinical significance of this variant remains unclear.

NM_001204.7(BMPR2):c.898A>G (p.Ser300Gly)

Gene: BMPR2 (bone morphogenetic protein receptor type 2; plus strand). Cytogenetic location: 2q33.2.
Variant type: single nucleotide variant.
Coding change: c.898A>G on transcript NM_001204.7 (MANE Select); coding-DNA position 898, A replaced by G.
Protein change: p.Ser300Gly; replaces serine 300 with glycine.
Molecular consequence: missense variant.
Genome position (GRCh38, 1-based): chr2:202,520,132, A>G. VCF-style: chr2-202520132-A-G. GRCh37 (hg19) VCF-style: chr2-203384855-A-G.
Other names: short protein forms S300G.
Identifiers: ClinVar variation 3824922 (VCV003824922.1).